The following is an entry in ClinVar:

ClinVar aggregate classification (germline): Likely benign (0 of 4 stars; one submission).

Conditions:
POU3F2-related disorder. Also called: POU3F2-related condition.

Allele frequency attached by ClinVar (database versions not stated): ExAC 0.00028; 1000 Genomes Project 30x 0.00031; 1000 Genomes Project 0.00040; ESP Exome Variant Server 0.00047; gnomAD 0.00070; TOPMed 0.00076.

Submission:

PreventionGenetics, part of Exact Sciences
Classification: Likely benign for POU3F2-related condition. Last evaluated: 2019-06-17. Review status: no assertion criteria provided. Collection method: clinical testing. Allele origin: germline.
Comment: This variant is classified as likely benign based on ACMG/AMP sequence variant interpretation guidelines (Richards et al. 2015 PMID: 25741868, with internal and published modifications).

NM_005604.4(POU3F2):c.675C>T (p.Ala225=)

Gene: POU3F2 (POU class 3 homeobox 2; plus strand). Cytogenetic location: 6q16.1.
Variant type: single nucleotide variant.
Coding change: c.675C>T on transcript NM_005604.4 (MANE Select); coding-DNA position 675, C replaced by T.
Protein change: p.Ala225=; no amino-acid change (alanine 225 retained).
Molecular consequence: synonymous variant.
Genome position (GRCh38, 1-based): chr6:98,835,548, C>T. VCF-style: chr6-98835548-C-T. GRCh37 (hg19) VCF-style: chr6-99283424-C-T.
Identifiers: ClinVar variation 3033728 (VCV003033728.2), dbSNP rs369383182, ClinGen allele CA3933224.